The following is an entry in ClinVar:

NC_000017.10:g.(?_72277937)_(72310375_?)dup

Gene: DNAI2 (dynein axonemal intermediate chain 2; plus strand). Cytogenetic location: 17q25.1.
Variant type: Duplication.
Identifiers: ClinVar variation 525584 (VCV000525584.2).

ClinVar aggregate classification (germline): Uncertain significance (1 of 4 stars; one submission).

Conditions:
Primary ciliary dyskinesia. Also called: Ciliary dyskinesia. Identifiers: Orphanet 244, MedGen C0008780, MONDO:0016575, HP:0012265.

Submission:

Labcorp Genetics (formerly Invitae), Labcorp
Classification: Uncertain significance for Primary ciliary dyskinesia. Last evaluated: 2019-12-19. Review status: criteria provided, single submitter. Criteria: Invitae Variant Classification Sherloc (09022015). Collection method: clinical testing. Allele origin: germline.
Comment: This variant results in a copy number gain of the genomic region encompassing the full coding sequence of the DNAI2 gene. The boundaries of this event are unknown as they extend beyond the assayed region for this gene and therefore may encompass additional genes. As the precise location of this event is unknown, it may be in tandem or it may be located elsewhere in the genome. This variant has not been reported in the literature in individuals with DNAI2-related disease. In summary, the available evidence is currently insufficient to determine the role of this variant in disease. Therefore, it has been classified as a Variant of Uncertain Significance.